The following is an entry in ClinVar:

NM_015971.4(MRPS7):c.84-14T>C

Gene: MRPS7 (mitochondrial ribosomal protein S7; plus strand). Cytogenetic location: 17q25.1.
Variant type: single nucleotide variant.
Coding change: c.84-14T>C on transcript NM_015971.4 (MANE Select); 14 bases into the intron before coding-DNA position 84, T replaced by C.
Molecular consequence: intron variant.
Genome position (GRCh38, 1-based): chr17:75,262,483, T>C. VCF-style: chr17-75262483-T-C. GRCh37 (hg19) VCF-style: chr17-73258564-T-C.
Identifiers: ClinVar variation 388894 (VCV000388894.4), dbSNP rs200027069, ClinGen allele CA8760277.

ClinVar aggregate classification (germline): Likely benign. Review status: criteria provided, multiple submitters, no conflicts (2 of 4 stars). 2 submissions from 2 submitters: Likely benign (2). Last evaluated 2023-06-28.

Allele frequency attached by ClinVar (database versions not stated): ExAC 0.00003; gnomAD exomes 0.00006 and 0.00023; TOPMed 0.00013; gnomAD 0.00014.
gnomAD v4.1: 369 of 1,611,446 alleles (0.023%); highest among the groups gnomAD compares: Non-Finnish European, 0.028%; no homozygotes.

Submissions (2):

Labcorp Genetics (formerly Invitae), Labcorp
Classification: Likely benign. Last evaluated: 2023-06-28. Review status: criteria provided, single submitter. Criteria: Invitae Variant Classification Sherloc (09022015). Collection method: clinical testing. Allele origin: germline.

GeneDx
Classification: Likely benign. Last evaluated: 2017-05-22. Review status: criteria provided, single submitter. Criteria: GeneDx Variant Classification (06012015). Collection method: clinical testing. Allele origin: germline. Affected: yes.
Comment: This variant is considered likely benign or benign based on one or more of the following criteria: it is a conservative change, it occurs at a poorly conserved position in the protein, it is predicted to be benign by multiple in silico algorithms, and/or has population frequency not consistent with disease.